The following is an entry in ClinVar:

ClinVar aggregate classification (germline): Uncertain significance (1 of 4 stars; one submission).

Conditions:
Houge-Janssens syndrome 1. Also called: INTELLECTUAL DEVELOPMENTAL DISORDER, AUTOSOMAL DOMINANT 35; Intellectual disability-macrocephaly-hypotonia-behavioral abnormalities syndrome; Hogue-Janssens syndrome 1; PPP2R5D-Related Neurodevelopmental Disorder. Identifiers: Orphanet 457279, MedGen C5779996, MONDO:0014602, OMIM 616355.

Submission:

Clinical Genomics Laboratory, Washington University in St. Louis
Classification: Uncertain significance for Houge-Janssens syndrome 1. Last evaluated: 2025-11-07. Review status: criteria provided, single submitter. Criteria: ACMG Guidelines, 2015. Collection method: clinical testing. Allele origin: germline.
Comment: The PPP2R5D c.226G>C (p.Gly76Arg) variant, to our knowledge, has not been reported in the medical literature. This variant is absent from the general population (gnomAD v2.1.1), indicating it is not a common variant. Computational predictors are uncertain as to the impact of this variant on PPP2R5D function. Due to limited information, and based on ACMG/AMP guidelines for variant interpretation (Richards S et al., PMID: 25741868), the clinical significance of this variant is uncertain at this time.

NM_006245.4(PPP2R5D):c.226G>C (p.Gly76Arg)

Gene: PPP2R5D (protein phosphatase 2 regulatory subunit B'delta; plus strand). Cytogenetic location: 6p21.1.
Variant type: single nucleotide variant.
Coding change: c.226G>C on transcript NM_006245.4 (MANE Select); coding-DNA position 226, G replaced by C.
Protein change: p.Gly76Arg; replaces glycine 76 with arginine.
Molecular consequence: missense variant. On other transcripts: 5 prime UTR variant (1), intron variant (1).
Genome position (GRCh38, 1-based): chr6:43,006,583, G>C. VCF-style: chr6-43006583-G-C. GRCh37 (hg19) VCF-style: chr6-42974321-G-C.
Other names: c.-228G>C (NM_001270476.2); c.226G>C, p.Gly76Arg (NM_180976.3); c.28-351G>C (NM_180977.3); short protein forms G76R.
Identifiers: ClinVar variation 4879300 (VCV004879300.1).
Genomic context (GRCh38, chr6:43,006,583, plus strand): 5'-AACAAGCGTCCCAGCAATAGCACGCCGCCCCCCACGCAGCTCAGCAAAATCAAGTACTCA[G>C]GGGGGCCCCAGATTGTCAAGAAGGAGCGACGGCAAAGCTCCTCCCGCTTCAACCTCAGCA-3'
Protein context (NP_006236.1, residues 66-86): PTQLSKIKYS[Gly76Arg]GPQIVKKERR